The following is an entry in ClinVar:

ClinVar aggregate classification (germline): Likely benign. Review status: criteria provided, multiple submitters, no conflicts (2 of 4 stars). 2 submissions from 2 submitters: Likely benign (2). Last evaluated 2025-09-01.

gnomAD v4.1: 383 of 1,538,422 alleles (0.025%); highest among the groups gnomAD compares: Non-Finnish European, 0.03%; no homozygotes.

Submissions (2):

CeGaT Center for Human Genetics Tuebingen
Classification: Likely benign. Last evaluated: 2025-09-01. Review status: criteria provided, single submitter. Criteria: CeGaT Center For Human Genetics Tuebingen Variant Classification Criteria Version 2. Collection method: clinical testing. Allele origin: germline. Affected: yes. Observed: 1 variant allele.
Comment: DLG4: BP4, BP7

Blueprint Genetics
Classification: Likely benign. Last evaluated: 2024-10-18. Review status: criteria provided, single submitter. Criteria: ACMG Guidelines, 2015. Collection method: clinical testing. Allele origin: germline.

NM_001321075.3(DLG4):c.1659C>T (p.Ser553=)

Gene: DLG4 (discs large MAGUK scaffold protein 4; minus strand). Cytogenetic location: 17p13.1.
Variant type: single nucleotide variant.
Coding change: c.1659C>T on transcript NM_001321075.3 (MANE Select); coding-DNA position 1659, C replaced by T.
Protein change: p.Ser553=; no amino-acid change (serine 553 retained).
Molecular consequence: synonymous variant. On other transcripts: non-coding transcript variant (1).
Genome position (GRCh38, 1-based): chr17:7,193,517, G>A on the plus strand (C>T on the coding strand, the complement: DLG4 is on the minus strand). VCF-style: chr17-7193517-G-A. GRCh37 (hg19) VCF-style: chr17-7096836-G-A.
Other names: c.1650C>T, p.Ser550= (NM_001128827.4); c.1779C>T, p.Ser593= (NM_001321074.1); c.1479C>T, p.Ser493= (NM_001321076.3, NM_001321077.3); c.1788C>T, p.Ser596= (NM_001365.5); c.1578C>T, p.Ser526= (NM_001369566.3).
Identifiers: ClinVar variation 4280907 (VCV004280907.8).